The following is an entry in ClinVar:

NM_001292063.2(OTOG):c.2760-3C>G

Gene: OTOG (otogelin; plus strand). Cytogenetic location: 11p15.1.
Variant type: single nucleotide variant.
Coding change: c.2760-3C>G on transcript NM_001292063.2 (MANE Select); 3 bases into the intron before coding-DNA position 2760, C replaced by G.
Molecular consequence: intron variant.
Genome position (GRCh38, 1-based): chr11:17,586,471, C>G. VCF-style: chr11-17586471-C-G. GRCh37 (hg19) VCF-style: chr11-17608018-C-G.
Other names: c.2796-3C>G (NM_001277269.2).
Identifiers: ClinVar variation 1064892 (VCV001064892.3), dbSNP rs1590021279, ClinGen allele CA1955213567.

ClinVar aggregate classification (germline): Uncertain significance (1 of 4 stars; one submission).

Conditions:
Hearing impairment. Also called: Impaired Hearing. Identifiers: MedGen C1384666, MONDO:0005365, HP:0000365.

Submission:

Department of Otolaryngology – Head & Neck Surgery, Cochlear Implant Center
Classification: Uncertain significance for Hearing impairment. Last evaluated: 2021-04-12. Review status: criteria provided, single submitter. Criteria: ClinGen HL ACMG Specifications v1. Collection method: clinical testing. Allele origin: germline. Affected: yes.
Comment: PM2_Moderate, BP4_Supporting